The following is an entry in ClinVar:

NM_001242896.3(DEPDC5):c.3055G>A (p.Gly1019Arg)

Gene: DEPDC5 (DEP domain containing 5, GATOR1 subcomplex subunit; plus strand). Cytogenetic location: 22q12.3.
Variant type: single nucleotide variant.
Coding change: c.3055G>A on transcript NM_001242896.3 (MANE Select); coding-DNA position 3055, G replaced by A.
Protein change: p.Gly1019Arg; replaces glycine 1019 with arginine.
Molecular consequence: missense variant. On other transcripts: non-coding transcript variant (5).
Genome position (GRCh38, 1-based): chr22:31,846,867, G>A. VCF-style: chr22-31846867-G-A. GRCh37 (hg19) VCF-style: chr22-32242853-G-A.
Other names: c.2821G>A, p.Gly941Arg (NM_001242897.2, NM_001363854.2, NM_001364319.2); c.3055G>A, p.Gly1019Arg (NM_001363852.2, NM_001364318.2, NM_001364320.2); c.2971G>A, p.Gly991Arg (NM_001369901.1, NM_001369902.1); c.3028G>A, p.Gly1010Arg (NM_001369903.1, NM_014662.6, NM_001136029.4); short protein forms G1010R, G1019R, G941R, G991R.
Identifiers: ClinVar variation 4883820 (VCV004883820.2).
Genomic context (GRCh38, chr22:31,846,867, plus strand): 5'-GGCCTTGTCTCCTCTTCTCTGCTTTAGAAAGGGACCGCCATGAAAGGCTTGCAGATGACT[G>A]GGCCCATTTCCACGCATTCTCTGGAGTCAACTGCACCCCCAGTGGGGAAGAAGGGAACCT-3'
Protein context (NP_001229825.1, residues 1009-1029): GTAMKGLQMT[Gly1019Arg]PISTHSLEST

ClinVar aggregate classification (germline): Uncertain significance (1 of 4 stars; one submission).

Conditions:
Focal epilepsy. Also called: partial epilepsy. Identifiers: MedGen C0014547, MeSH D004828, MONDO:0005384.

Submission:

Dasa
Classification: Uncertain significance for focal epilepsy. Last evaluated: 2025-09-18. Review status: criteria provided, single submitter. Criteria: DASA Assertion Criteria. Collection method: clinical testing. Allele origin: germline.
Comment: NM_001242896.3(DEPDC5):c.3055G>A (p.Gly1019Arg) is a missense variant that results in the substitution of glycine with arginine. This variant is absent from population databases. The currently available literature and clinical evidence are not sufficient to establish a definitive association between this variant and the reported condition. Therefore, this variant is classified as a variant of uncertain significance.